The following is an entry in ClinVar:

NM_006236.3(POU3F3):c.1418C>A (p.Thr473Lys)

Gene: POU3F3 (POU class 3 homeobox 3; plus strand). Cytogenetic location: 2q12.1.
Variant type: single nucleotide variant.
Coding change: c.1418C>A on transcript NM_006236.3 (MANE Select); coding-DNA position 1418, C replaced by A.
Protein change: p.Thr473Lys; replaces threonine 473 with lysine.
Molecular consequence: missense variant.
Genome position (GRCh38, 1-based): chr2:104,856,928, C>A. VCF-style: chr2-104856928-C-A. GRCh37 (hg19) VCF-style: chr2-105473386-C-A.
Other names: c.1418C>A (NM_006236.1); short protein forms T473K.
Identifiers: ClinVar variation 1298819 (VCV001298819.35), dbSNP rs2104341292, ClinGen allele CA348098928.
Genomic context (GRCh38, chr2:104,856,928, plus strand): 5'-GGTTCTGCAATCGGCGCCAAAAGGAGAAGCGCATGACGCCGCCCGGGATCCAACAGCAGA[C>A]GCCCGACGACGTCTACTCGCAGGTGGGCACCGTGAGCGCCGACACGCCGCCGCCTCACCA-3'
Protein context (NP_006227.1, residues 463-483): RMTPPGIQQQ[Thr473Lys]PDDVYSQVGT

ClinVar aggregate classification (germline): Uncertain significance. Review status: criteria provided, multiple submitters, no conflicts (2 of 4 stars). 2 submissions from 2 submitters: Uncertain significance (2). Last evaluated 2024-10-13.

Submissions (2):

GeneDx
Classification: Uncertain significance. Last evaluated: 2024-10-13. Review status: criteria provided, single submitter. Criteria: GeneDx Variant Classification Process June 2021. Collection method: clinical testing. Allele origin: germline. Affected: yes.
Comment: Not observed at significant frequency in large population cohorts (gnomAD); In silico analysis indicates that this missense variant does not alter protein structure/function; Has not been previously published as pathogenic or benign to our knowledge

CeGaT Center for Human Genetics Tuebingen
Classification: Uncertain significance. Last evaluated: 2021-10-01. Review status: criteria provided, single submitter. Criteria: CeGaT Center For Human Genetics Tuebingen Variant Classification Criteria Version 2. Collection method: clinical testing. Allele origin: germline. Affected: yes. Observed: 1 variant allele.